The following is an entry in ClinVar:

NM_032806.6(POMGNT2):c.1602C>T (p.Tyr534=)

Gene: POMGNT2 (protein O-linked mannose N-acetylglucosaminyltransferase 2 (beta 1,4-); minus strand). Cytogenetic location: 3p22.1.
Variant type: single nucleotide variant.
Coding change: c.1602C>T on transcript NM_032806.6 (MANE Select); coding-DNA position 1602, C replaced by T.
Protein change: p.Tyr534=; no amino-acid change (tyrosine 534 retained).
Molecular consequence: synonymous variant.
Genome position (GRCh38, 1-based): chr3:43,079,830, G>A on the plus strand (C>T on the coding strand, the complement: POMGNT2 is on the minus strand). VCF-style: chr3-43079830-G-A. GRCh37 (hg19) VCF-style: chr3-43121322-G-A.
Identifiers: ClinVar variation 262106 (VCV000262106.58), dbSNP rs143832191, ClinGen allele CA2339815.

ClinVar aggregate classification (germline): Likely benign. Review status: criteria provided, multiple submitters, no conflicts (2 of 4 stars). 8 submissions from 8 submitters: Likely benign (8). Last evaluated 2026-08-01.

Conditions:
Muscular dystrophy-dystroglycanopathy (congenital with brain and eye anomalies), type a, 8 (MDDGA8). Also called: WALKER-WARBURG SYNDROME OR MUSCLE-EYE-BRAIN DISEASE, GTDC2-RELATED. Identifiers: Orphanet 899, MedGen C3553813, MONDO:0013904, OMIM 614830.

Allele frequency attached by ClinVar (database versions not stated): gnomAD exomes 0.00037 and 0.00049; 1000 Genomes Project 0.00040; ExAC 0.00045; ESP Exome Variant Server 0.00046; 1000 Genomes Project 30x 0.00047; gnomAD 0.00056 and 0.00066; TOPMed 0.00068.
gnomAD v4.1: 681 of 1,614,214 alleles (0.042%); highest among the groups gnomAD compares: Middle Eastern, 0.66%; no homozygotes.

Submissions (8):

CeGaT Center for Human Genetics Tuebingen
Classification: Likely benign. Last evaluated: 2026-08-01. Review status: criteria provided, single submitter. Criteria: CeGaT Center For Human Genetics Tuebingen Variant Classification Criteria Version 2. Collection method: clinical testing. Allele origin: germline. Affected: yes. Observed: 11 variant alleles.
Comment: POMGNT2: BP4, BP7

Labcorp Genetics (formerly Invitae), Labcorp
Classification: Likely benign for Muscular dystrophy-dystroglycanopathy (congenital with brain and eye anomalies), type a, 8. Last evaluated: 2026-02-01. Review status: criteria provided, single submitter. Criteria: Invitae Variant Classification Sherloc (09022015). Collection method: clinical testing. Allele origin: germline.

Laboratory of Genetics, Children's Clinical University Hospital Latvia
Classification: Likely benign. Last evaluated: 2025-02-16. Review status: criteria provided, single submitter. Criteria: ACMG Guidelines, 2015. Collection method: clinical testing. Allele origin: germline. Affected: yes.

Blueprint Genetics
Classification: Likely benign. Last evaluated: 2024-11-18. Review status: criteria provided, single submitter. Criteria: ACMG Guidelines, 2015. Collection method: clinical testing. Allele origin: germline.

GeneDx
Classification: Likely benign. Last evaluated: 2021-03-30. Review status: criteria provided, single submitter. Criteria: GeneDx Variant Classification Process June 2021. Collection method: clinical testing. Allele origin: germline. Affected: yes.

Genetic Services Laboratory, University of Chicago
Classification: Likely benign. Last evaluated: 2019-04-02. Review status: criteria provided, single submitter. Criteria: ACMG Guidelines, 2015. Collection method: clinical testing. Allele origin: germline. Affected: no.

Breakthrough Genomics
Classification: Likely benign. Review status: criteria provided, single submitter. Criteria: ACMG Guidelines, 2015. Collection method: not provided. Allele origin: germline. Inheritance: Autosomal recessive inheritance. Affected: yes.

PreventionGenetics, part of Exact Sciences
Classification: Likely benign. Review status: criteria provided, single submitter. Criteria: ACMG Guidelines, 2015. Collection method: clinical testing. Allele origin: germline.